The following is an entry in ClinVar:

ClinVar aggregate classification (germline): Uncertain significance (1 of 4 stars; one submission).

Conditions:
Encephalopathy, acute, infection-induced (herpes-specific), susceptibility to, 6. Also called: Herpes simplex encephalitis, susceptibility to, 4. Identifiers: Orphanet 1930, MedGen C3553869, MONDO:0013921, OMIM 614850.

Submission:

Labcorp Genetics (formerly Invitae), Labcorp
Classification: Uncertain significance for Encephalopathy, acute, infection-induced (herpes-specific), susceptibility to, 6. Last evaluated: 2019-11-18. Review status: criteria provided, single submitter. Criteria: Invitae Variant Classification Sherloc (09022015). Collection method: clinical testing. Allele origin: germline.
Comment: In summary, the available evidence is currently insufficient to determine the role of this variant in disease. Therefore, it has been classified as a Variant of Uncertain Significance. Algorithms developed to predict the effect of missense changes on protein structure and function (SIFT, PolyPhen-2, Align-GVGD) all suggest that this variant is likely to be tolerated, but these predictions have not been confirmed by published functional studies and their clinical significance is uncertain. This variant has not been reported in the literature in individuals with TICAM1-related conditions. This variant is not present in population databases (ExAC no frequency). This sequence change replaces serine with phenylalanine at codon 343 of the TICAM1 protein (p.Ser343Phe). The serine residue is weakly conserved and there is a large physicochemical difference between serine and phenylalanine.

NM_182919.4(TICAM1):c.1028C>T (p.Ser343Phe)

Gene: TICAM1 (TIR domain containing adaptor molecule 1; minus strand). Cytogenetic location: 19p13.3.
Variant type: single nucleotide variant.
Coding change: c.1028C>T on transcript NM_182919.4 (MANE Select); coding-DNA position 1028, C replaced by T.
Protein change: p.Ser343Phe; replaces serine 343 with phenylalanine.
Molecular consequence: missense variant.
Genome position (GRCh38, 1-based): chr19:4,817,350, G>A on the plus strand (C>T on the coding strand, the complement: TICAM1 is on the minus strand). VCF-style: chr19-4817350-G-A. GRCh37 (hg19) VCF-style: chr19-4817362-G-A.
Other names: short protein forms S343F.
Identifiers: ClinVar variation 834714 (VCV000834714.10), dbSNP rs2093588326, ClinGen allele CA403491116.
Genomic context (GRCh38, chr19:4,817,350, plus strand): 5'-GGAGGAGGAGGGGATGTTTCTGGGGTGGTGGGAGTAGGTGGGCACGGCTTGGTATTTGGA[G>A]AGGTGGTATCTTCTACAGAAAGTTGGAGTGGCGTCTGGTCTTTGACAGAGCAGGGGTTTT-3'
Protein context (NP_891549.1, residues 333-353): PLQLSVEDTT[Ser343Phe]PNTKPCPPTP